The following is an entry in ClinVar:

NM_003000.3(SDHB):c.125T>C (p.Phe42Ser)

Gene: SDHB (succinate dehydrogenase complex iron sulfur subunit B; minus strand). Cytogenetic location: 1p36.13.
Variant type: single nucleotide variant.
Coding change: c.125T>C on transcript NM_003000.3 (MANE Select); coding-DNA position 125, T replaced by C.
Protein change: p.Phe42Ser; replaces phenylalanine 42 with serine.
Molecular consequence: missense variant.
Genome position (GRCh38, 1-based): chr1:17,044,836, A>G on the plus strand (T>C on the coding strand, the complement: SDHB is on the minus strand). VCF-style: chr1-17044836-A-G. GRCh37 (hg19) VCF-style: chr1-17371331-A-G.
Other names: c.125T>C, p.Phe42Ser (NM_001407361.1); short protein forms F42S.
Identifiers: ClinVar variation 1762808 (VCV001762808.8), dbSNP rs2525059857, ClinGen allele CA338228190.

ClinVar aggregate classification (germline): Uncertain significance. Review status: criteria provided, multiple submitters, no conflicts (2 of 4 stars). 2 submissions from 2 submitters: Uncertain significance (2). Last evaluated 2026-03-25.

Conditions:
Pheochromocytoma. Also called: MAX-Related Hereditary Paraganglioma-Pheochromocytoma Syndrome. Identifiers: Orphanet 29072, MedGen C0031511, MONDO:0008233, OMIM 171300, HP:0002666.
Pheochromocytoma/paraganglioma syndrome 4. Also called: CAROTID BODY TUMORS AND MULTIPLE EXTRAADRENAL PHEOCHROMOCYTOMAS; PARAGANGLIOMA, FAMILIAL MALIGNANT; PARAGANGLIOMAS, HEREDITARY EXTRAADRENAL; PHEOCHROMOCYTOMA, FAMILIAL EXTRAADRENAL; Paragangliomas 4; SDHB-Related Hereditary Paraganglioma-Pheochromocytoma Syndrome (Paragangliomas 4). Identifiers: Orphanet 29072, MedGen C1861848, MONDO:0007273, OMIM 115310.
Gastrointestinal stromal tumor. Also called: Gastrointestinal stromal tumor, somatic; Gastrointestinal stroma tumor. Identifiers: Orphanet 44890, MedGen C0238198, MeSH D046152, MONDO:0011719, OMIM 606764, HP:0100723.
Hereditary cancer-predisposing syndrome. Also called: Neoplastic Syndromes, Hereditary; Tumor predisposition; Hereditary Cancer Syndrome; Hereditary neoplastic syndrome. Identifiers: Orphanet 140162, MedGen C0027672, MeSH D009386, MONDO:0015356.

Submissions (2):

Ambry Genetics
Classification: Uncertain significance for Hereditary cancer-predisposing syndrome. Last evaluated: 2026-03-25. Review status: criteria provided, single submitter. Criteria: Ambry Variant Classification Scheme 2023. Collection method: clinical testing. Allele origin: germline.
Comment: The p.F42S variant (also known as c.125T>C), located in coding exon 2 of the SDHB gene, results from a T to C substitution at nucleotide position 125. The phenylalanine at codon 42 is replaced by serine, an amino acid with highly dissimilar properties. This amino acid position is highly conserved in available vertebrate species. In addition, this alteration is predicted to be deleterious by in silico analysis. Based on the available evidence, the clinical significance of this variant remains unclear.

Labcorp Genetics (formerly Invitae), Labcorp
Classification: Uncertain significance for Gastrointestinal stromal tumor; Pheochromocytoma/paraganglioma syndrome 4; Pheochromocytoma. Last evaluated: 2022-01-11. Review status: criteria provided, single submitter. Criteria: Invitae Variant Classification Sherloc (09022015). Collection method: clinical testing. Allele origin: germline.
Comment: In summary, the available evidence is currently insufficient to determine the role of this variant in disease. Therefore, it has been classified as a Variant of Uncertain Significance. Advanced modeling of protein sequence and biophysical properties (such as structural, functional, and spatial information, amino acid conservation, physicochemical variation, residue mobility, and thermodynamic stability) performed at Invitae indicates that this missense variant is expected to disrupt SDHB protein function. This variant has not been reported in the literature in individuals affected with SDHB-related conditions. This variant is not present in population databases (gnomAD no frequency). This sequence change replaces phenylalanine, which is neutral and non-polar, with serine, which is neutral and polar, at codon 42 of the SDHB protein (p.Phe42Ser).